The following is an entry in ClinVar:

ClinVar aggregate classification (germline): Uncertain significance (1 of 4 stars; one submission).

Allele frequency attached by ClinVar (database versions not stated): gnomAD exomes below 0.00001.
gnomAD v4.1: 2 of 1,613,624 alleles (0.00012%); highest among the groups gnomAD compares: Non-Finnish European, 0.00017%; no homozygotes.

Submission:

Labcorp Genetics (formerly Invitae), Labcorp
Classification: Uncertain significance. Last evaluated: 2021-12-02. Review status: criteria provided, single submitter. Criteria: Invitae Variant Classification Sherloc (09022015). Collection method: clinical testing. Allele origin: germline.
Comment: Algorithms developed to predict the effect of missense changes on protein structure and function (SIFT, PolyPhen-2, Align-GVGD) all suggest that this variant is likely to be tolerated. In summary, the available evidence is currently insufficient to determine the role of this variant in disease. Therefore, it has been classified as a Variant of Uncertain Significance. Algorithms developed to predict the effect of sequence changes on RNA splicing suggest that this variant may create or strengthen a splice site. This variant has not been reported in the literature in individuals affected with TUFM-related conditions. This variant is not present in population databases (gnomAD no frequency). This sequence change replaces leucine, which is neutral and non-polar, with glutamine, which is neutral and polar, at codon 34 of the TUFM protein (p.Leu34Gln).

NM_003321.5(TUFM):c.101T>A (p.Leu34Gln)

Gene: TUFM (Tu translation elongation factor, mitochondrial; minus strand). Cytogenetic location: 16p11.2.
Variant type: single nucleotide variant.
Coding change: c.101T>A on transcript NM_003321.5 (MANE Select); coding-DNA position 101, T replaced by A.
Protein change: p.Leu34Gln; replaces leucine 34 with glutamine.
Molecular consequence: missense variant.
Genome position (GRCh38, 1-based): chr16:28,846,058, A>T on the plus strand (T>A on the coding strand, the complement: TUFM is on the minus strand). VCF-style: chr16-28846058-A-T. GRCh37 (hg19) VCF-style: chr16-28857379-A-T.
Other names: c.101T>A, p.Leu34Gln (NM_001365360.2); short protein forms L34Q.
Identifiers: ClinVar variation 1400560 (VCV001400560.8), dbSNP rs1961946469, ClinGen allele CA395419081.